The following is an entry in ClinVar:

ClinVar aggregate classification (germline): Uncertain significance (1 of 4 stars; one submission).

Conditions:
Inborn genetic diseases. Identifiers: MedGen C0950123, MeSH D030342.

gnomAD v4.1: 2 of 1,612,478 alleles (0.00012%); highest among the groups gnomAD compares: Non-Finnish European, 0.00017%; no homozygotes.

Submission:

Ambry Genetics
Classification: Uncertain significance for Inborn genetic diseases. Last evaluated: 2023-12-14. Review status: criteria provided, single submitter. Criteria: Ambry Variant Classification Scheme 2023. Collection method: clinical testing. Allele origin: germline.
Comment: The p.V2414L variant (also known as c.7240G>T), located in coding exon 49 of the LRRK2 gene, results from a G to T substitution at nucleotide position 7240. The valine at codon 2414 is replaced by leucine, an amino acid with highly similar properties. This amino acid position is conserved. In addition, the in silico prediction for this alteration is inconclusive. Since supporting evidence is limited at this time, the clinical significance of this alteration remains unclear.

NM_198578.4(LRRK2):c.7240G>T (p.Val2414Leu)

Gene: LRRK2 (leucine rich repeat kinase 2; plus strand). Cytogenetic location: 12q12.
Variant type: single nucleotide variant.
Coding change: c.7240G>T on transcript NM_198578.4 (MANE Select); coding-DNA position 7240, G replaced by T.
Protein change: p.Val2414Leu; replaces valine 2414 with leucine.
Molecular consequence: missense variant.
Genome position (GRCh38, 1-based): chr12:40,364,900, G>T. VCF-style: chr12-40364900-G-T. GRCh37 (hg19) VCF-style: chr12-40758702-G-T.
Other names: short protein forms V2414L.
Identifiers: ClinVar variation 3229781 (VCV003229781.1), dbSNP rs2500037483, ClinGen allele CA384414724.